The following is an entry in ClinVar:

ClinVar aggregate classification (germline): Conflicting classifications of pathogenicity. Review status: criteria provided, conflicting classifications (1 of 4 stars). 5 submissions from 5 submitters: Uncertain significance (3); Likely benign (1). 1 of the submissions does not count toward it. Last evaluated 2024-11-15.

Conditions:
WDR1-related disorder. Also called: WDR1-related condition.

Allele frequency attached by ClinVar (database versions not stated): 1000 Genomes Project 0.00040; 1000 Genomes Project 30x 0.00047; ExAC 0.00079; TOPMed 0.00092; gnomAD 0.00095 and 0.00098; gnomAD exomes 0.00098 and 0.00141; ESP Exome Variant Server 0.00139.
gnomAD v4.1: 2,213 of 1,613,190 alleles (0.14%); highest among the groups gnomAD compares: Non-Finnish European, 0.17%; 4 homozygotes.

Submissions (5):

Blueprint Genetics
Classification: Uncertain significance. Last evaluated: 2024-11-15. Review status: criteria provided, single submitter. Criteria: ACMG Guidelines, 2015. Collection method: clinical testing. Allele origin: germline.

CeGaT Center for Human Genetics Tuebingen
Classification: Likely benign. Last evaluated: 2024-05-01. Review status: criteria provided, single submitter. Criteria: CeGaT Center For Human Genetics Tuebingen Variant Classification Criteria Version 2. Collection method: clinical testing. Allele origin: germline. Affected: yes. Observed: 3 variant alleles.
Comment: WDR1: BS1:Supporting

Labcorp Genetics (formerly Invitae), Labcorp
Classification: Uncertain significance. Last evaluated: 2022-11-01. Review status: criteria provided, single submitter. Criteria: Invitae Variant Classification Sherloc (09022015). Collection method: clinical testing. Allele origin: germline.
Comment: This sequence change replaces alanine, which is neutral and non-polar, with valine, which is neutral and non-polar, at codon 171 of the WDR1 protein (p.Ala171Val). This variant is present in population databases (rs182603736, gnomAD 0.1%), and has an allele count higher than expected for a pathogenic variant. This variant has not been reported in the literature in individuals affected with WDR1-related conditions. ClinVar contains an entry for this variant (Variation ID: 1054643). Algorithms developed to predict the effect of missense changes on protein structure and function (SIFT, PolyPhen-2, Align-GVGD) all suggest that this variant is likely to be tolerated. In summary, the available evidence is currently insufficient to determine the role of this variant in disease. Therefore, it has been classified as a Variant of Uncertain Significance.

Breakthrough Genomics
Classification: Uncertain significance. Review status: criteria provided, single submitter. Criteria: ACMG Guidelines, 2015. Collection method: not provided. Allele origin: germline. Inheritance: Autosomal recessive inheritance. Affected: yes.

PreventionGenetics, part of Exact Sciences
Classification: Likely benign for WDR1-related condition. Last evaluated: 2024-05-08. Review status: no assertion criteria provided. Collection method: clinical testing. Allele origin: germline. Not counted in ClinVar's aggregate classification.
Comment: This variant is classified as likely benign based on ACMG/AMP sequence variant interpretation guidelines (Richards et al. 2015 PMID: 25741868, with internal and published modifications).

NM_017491.5(WDR1):c.512C>T (p.Ala171Val)

Gene: WDR1 (WD repeat domain 1; minus strand). Cytogenetic location: 4p16.1.
Variant type: single nucleotide variant.
Coding change: c.512C>T on transcript NM_017491.5 (MANE Select); coding-DNA position 512, C replaced by T.
Protein change: p.Ala171Val; replaces alanine 171 with valine.
Molecular consequence: missense variant. On other transcripts: intron variant (1).
Genome position (GRCh38, 1-based): chr4:10,097,757, G>A on the plus strand (C>T on the coding strand, the complement: WDR1 is on the minus strand). VCF-style: chr4-10097757-G-A. GRCh37 (hg19) VCF-style: chr4-10099381-G-A.
Other names: c.512C>T (NM_017491.3); c.139-9016C>T (NM_005112.5); short protein forms A171V.
Identifiers: ClinVar variation 1054643 (VCV001054643.29), dbSNP rs182603736, ClinGen allele CA2858036.
Genomic context (GRCh38, chr4:10,097,757, plus strand): 5'-GTAAGTTCACTTACGCCAATTGTGAACTTGAACTTGAATGGGGGTCCCTCAAAGAATGCC[G>A]CGCAGTTATCATCGCTTCCCGTGGCCAGCCGGTATGGCCGGCTCTGCTTGATGTCCACGC-3'
Protein context (NP_059830.1, residues 161-181): RLATGSDDNC[Ala171Val]AFFEGPPFKF